The following is an entry in ClinVar:

NM_001165963.4(SCN1A):c.5778C>G (p.Tyr1926Ter)

Genes: SCN1A (sodium voltage-gated channel alpha subunit 1; minus strand), LOC102724058 (uncharacterized LOC102724058; plus strand). Cytogenetic location: 2q24.3.
Variant type: single nucleotide variant.
Coding change: c.5778C>G on transcript NM_001165963.4 (MANE Select); coding-DNA position 5778, C replaced by G.
Protein change: p.Tyr1926Ter; replaces tyrosine 1926 with a stop codon.
Molecular consequence: nonsense. On other transcripts: non-coding transcript variant (1).
Genome position (GRCh38, 1-based): chr2:165,991,497, G>C on the plus strand (C>G on the coding strand, the complement: SCN1A is on the minus strand). VCF-style: chr2-165991497-G-C. GRCh37 (hg19) VCF-style: chr2-166848007-G-C.
Other names: c.5694C>G, p.Tyr1898Ter (NM_001165964.3, NM_001353957.2, NM_001353958.2); c.5778C>G, p.Tyr1926Ter (NM_001202435.3, NM_001353948.2); c.5745C>G, p.Tyr1915Ter (NM_001353949.2, NM_001353950.2, NM_001353951.2 and 2 more transcripts); c.5742C>G, p.Tyr1914Ter (NM_001353954.2, NM_001353955.2); c.5691C>G, p.Tyr1897Ter (NM_001353960.2); c.3336C>G, p.Tyr1112Ter (NM_001353961.2); short protein forms Y1915*, Y1926*, Y1914*, Y1897*, Y1898*, Y1112*.
Identifiers: ClinVar variation 420038 (VCV000420038.2), dbSNP rs1064794251, ClinGen allele CA16617276.

ClinVar aggregate classification (germline): Pathogenic (1 of 4 stars; one submission).

Submission:

GeneDx
Classification: Pathogenic. Last evaluated: 2017-02-14. Review status: criteria provided, single submitter. Criteria: GeneDx Variant Classification (06012015). Collection method: clinical testing. Allele origin: germline. Affected: yes.
Comment: The Y1926X nonsense variant in the SCN1A gene has been reported previously inan individual with Dravet syndrome (Zuberi et al., 2011). This pathogenic variant is predicted to cause loss of normal protein function through protein truncation, as the last 84 amino acids of the SCN1A protein are lost. Other truncating variants downstream of this position and in this region of the SCN1A protein have been reported in association with SCN1A-related disorders (Zuberi et al., 2011; Stenson et al., 2014). Furthermore, the Y1926X variant is not observed in large population cohorts (Lek et al., 2016; 1000 Genomes Consortium et al., 2015; Exome Variant Server).